The following is an entry in ClinVar:

NM_152618.3(BBS12):c.1527T>C (p.Thr509=)

Gene: BBS12 (Bardet-Biedl syndrome 12; plus strand). Cytogenetic location: 4q27.
Variant type: single nucleotide variant.
Coding change: c.1527T>C on transcript NM_152618.3 (MANE Select); coding-DNA position 1527, T replaced by C.
Protein change: p.Thr509=; no amino-acid change (threonine 509 retained).
Molecular consequence: synonymous variant.
Genome position (GRCh38, 1-based): chr4:122,743,419, T>C. VCF-style: chr4-122743419-T-C. GRCh37 (hg19) VCF-style: chr4-123664574-T-C.
Other names: c.1527T>C, p.Thr509= (NM_001178007.2); c.1527T>C (NM_152618.2).
Identifiers: ClinVar variation 2876059 (VCV002876059.4), dbSNP rs2485077123, ClinGen allele CA441121158.

ClinVar aggregate classification (germline): Likely benign. Review status: criteria provided, multiple submitters, no conflicts (2 of 4 stars). 2 submissions from 2 submitters: Likely benign (2). Last evaluated 2026-04-20.

Conditions:
BBS12-related disorder. Also called: BBS12-related condition.
Bardet-Biedl syndrome (BBS). Identifiers: Orphanet 110, MedGen C0752166, MONDO:0015229.

Allele frequency attached by ClinVar (database versions not stated): gnomAD exomes 0.00001.
gnomAD v4.1: 6 of 1,614,244 alleles (0.00037%); highest among the groups gnomAD compares: Non-Finnish European, 0.00051%; no homozygotes.

Submissions (2):

PreventionGenetics, part of Exact Sciences
Classification: Likely benign for BBS12-related condition. Last evaluated: 2026-04-20. Review status: criteria provided, single submitter. Criteria: ACMG Guidelines, 2015. Collection method: clinical testing. Allele origin: germline.
Comment: This variant is classified as likely benign based on ACMG/AMP sequence variant interpretation guidelines (Richards et al. 2015 PMID: 25741868, with internal and published modifications).

Labcorp Genetics (formerly Invitae), Labcorp
Classification: Likely benign for Bardet-Biedl syndrome. Last evaluated: 2023-01-10. Review status: criteria provided, single submitter. Criteria: Invitae Variant Classification Sherloc (09022015). Collection method: clinical testing. Allele origin: germline.